The following is an entry in ClinVar:

ClinVar aggregate classification (germline): Uncertain significance (1 of 4 stars; one submission).

Conditions:
Familial thoracic aortic aneurysm and aortic dissection (TAAD). Also called: Thoracic aortic aneurysms and dissections. Identifiers: Orphanet 91387, MedGen C4707243, MONDO:0019625.

Submission:

Ambry Genetics
Classification: Uncertain significance for Familial thoracic aortic aneurysm and aortic dissection. Last evaluated: 2024-10-23. Review status: criteria provided, single submitter. Criteria: Ambry Variant Classification Scheme 2023. Collection method: clinical testing. Allele origin: germline.
Comment: The p.G655A variant (also known as c.1964G>C), located in coding exon 19 of the COL5A1 gene, results from a G to C substitution at nucleotide position 1964. The glycine at codon 655 is replaced by alanine, an amino acid with similar properties. Internal structural analysis indicates that this alteration disrupts the characteristic G-X-Y motif of the triple helical domain in the COL5A1 protein and inserts a bulky side chain into a sterically-constrained region (Bella J et al. Science. 1994;266:75-81; Hohenester E et al. Proc. Natl. Acad. Sci.U.S.A. 2008;105:18273-7; Ambry internal data). Glycine substitutions in the triple helical domain of COL5A1 have been reported in association with classic Ehlers-Danlos syndrome (cEDS), but the number of affected individuals is limited and several other COL5A1 glycine substitutions in the triple helical domain (e.g., p.G1078A and p.G1414A) are too common for disease in population databases (Symoens S et al. Hum. Mutat., 2012 Oct;33:1485-93; Ritelli M et al. Orphanet J Rare Dis. 2013 Apr;8:58). This amino acid position is highly conserved in available vertebrate species. In addition, this alteration is predicted to be deleterious by in silico analysis. Based on the available evidence, the clinical significance of this variant remains unclear.

NM_000093.5(COL5A1):c.1964G>C (p.Gly655Ala)

Gene: COL5A1 (collagen type V alpha 1 chain; plus strand). Cytogenetic location: 9q34.3.
Variant type: single nucleotide variant.
Coding change: c.1964G>C on transcript NM_000093.5 (MANE Select); coding-DNA position 1964, G replaced by C.
Protein change: p.Gly655Ala; replaces glycine 655 with alanine.
Molecular consequence: missense variant.
Genome position (GRCh38, 1-based): chr9:134,761,953, G>C. VCF-style: chr9-134761953-G-C. GRCh37 (hg19) VCF-style: chr9-137653799-G-C.
Other names: c.1964G>C, p.Gly655Ala (NM_001278074.1); short protein forms G655A.
Identifiers: ClinVar variation 3495555 (VCV003495555.1).